The following is an entry in ClinVar:

ClinVar aggregate classification (germline): Uncertain significance (1 of 4 stars; one submission).

Conditions:
Congenital muscular dystrophy due to partial LAMA2 deficiency. Identifiers: MedGen C1842898.

Allele frequency attached by ClinVar (database versions not stated): gnomAD exomes below 0.00001 and 0.00001; gnomAD 0.00001; 1000 Genomes Project 30x 0.00016; 1000 Genomes Project 0.00020.
gnomAD v4.1: 3 of 1,614,194 alleles (0.00019%); highest among the groups gnomAD compares: East Asian, 0.0045%; no homozygotes.

Submission:

Illumina Laboratory Services, Illumina
Classification: Uncertain significance for Congenital muscular dystrophy due to partial LAMA2 deficiency. Last evaluated: 2017-04-27. Review status: criteria provided, single submitter. Criteria: ICSL Variant Classification Criteria 13 December 2019. Collection method: clinical testing. Allele origin: germline.
Comment: This variant was observed as part of a predisposition screen in an ostensibly healthy population. A literature search was performed for the gene, cDNA change, and amino acid change (where applicable). Publications were found based on this search. However, the evidence from the literature, in combination with allele frequency data from public databases where available, was not sufficient to rule this variant in or out of causing disease. Therefore, this variant is classified as a variant of unknown significance.

Literature cited by the submitters: PubMed 25587058.

NM_000426.4(LAMA2):c.3338C>T (p.Thr1113Ile)

Gene: LAMA2 (laminin subunit alpha 2; plus strand). Cytogenetic location: 6q22.33.
Variant type: single nucleotide variant.
Coding change: c.3338C>T on transcript NM_000426.4 (MANE Select); coding-DNA position 3338, C replaced by T.
Protein change: p.Thr1113Ile; replaces threonine 1113 with isoleucine.
Molecular consequence: missense variant.
Genome position (GRCh38, 1-based): chr6:129,313,024, C>T. VCF-style: chr6-129313024-C-T. GRCh37 (hg19) VCF-style: chr6-129634169-C-T.
Other names: c.3338C>T, p.Thr1113Ile (NM_001079823.2); short protein forms T1113I.
Identifiers: ClinVar variation 905362 (VCV000905362.4), dbSNP rs561950953, ClinGen allele CA146912081.
Genomic context (GRCh38, chr6:129,313,024, plus strand): 5'-GCAGTCGAGGTCACTGGAACTACCCTCGCTGCAATCTCTGTGACTGCTTCCTCCCTGGGA[C>T]AGATGCCACAACCTGTGATTCAGAGACTAAAAAATGCTCCTGTAGTGATCAAACTGGGCA-3'
Protein context (NP_000417.3, residues 1103-1123): CNLCDCFLPG[Thr1113Ile]DATTCDSETK